The following is an entry in ClinVar:

NM_018263.6(ASXL2):c.3754A>G (p.Arg1252Gly)

Gene: ASXL2 (ASXL transcriptional regulator 2; minus strand). Cytogenetic location: 2p23.3.
Variant type: single nucleotide variant.
Coding change: c.3754A>G on transcript NM_018263.6 (MANE Select); coding-DNA position 3754, A replaced by G.
Protein change: p.Arg1252Gly; replaces arginine 1252 with glycine.
Molecular consequence: missense variant.
Genome position (GRCh38, 1-based): chr2:25,742,583, T>C on the plus strand (A>G on the coding strand, the complement: ASXL2 is on the minus strand). VCF-style: chr2-25742583-T-C. GRCh37 (hg19) VCF-style: chr2-25965452-T-C.
Other names: c.3580A>G, p.Arg1194Gly (NM_001369346.1); c.2974A>G, p.Arg992Gly (NM_001369347.1); short protein forms R1194G, R1252G, R992G.
Identifiers: ClinVar variation 4994347 (VCV004994347.1).

ClinVar aggregate classification (germline): Uncertain significance (1 of 4 stars; one submission).

Conditions:
ASXL2-related disorder. Also called: ASXL2-related condition.

gnomAD v4.1: 2 of 1,614,044 alleles (0.00012%); highest among the groups gnomAD compares: Non-Finnish European, 0.00017%; no homozygotes.

Submission:

PreventionGenetics, part of Exact Sciences
Classification: Uncertain significance for ASXL2-related condition. Last evaluated: 2025-11-10. Review status: criteria provided, single submitter. Criteria: ACMG Guidelines, 2015. Collection method: clinical testing. Allele origin: germline.
Comment: The ASXL2 c.3754A>G variant is predicted to result in the amino acid substitution p.Arg1252Gly. To our knowledge, this variant has not been reported in the literature or in a large population database (gnomAD), indicating this variant is rare. At this time, the clinical significance of this variant is uncertain due to the absence of conclusive functional and genetic evidence.